The following is an entry in ClinVar:

NM_001128840.3(CACNA1D):c.4491-6T>C

Gene: CACNA1D (calcium voltage-gated channel subunit alpha1 D; plus strand). Cytogenetic location: 3p21.1.
Variant type: single nucleotide variant.
Coding change: c.4491-6T>C on transcript NM_001128840.3 (MANE Select); 6 bases into the intron before coding-DNA position 4491, T replaced by C.
Molecular consequence: intron variant.
Genome position (GRCh38, 1-based): chr3:53,776,854, T>C. VCF-style: chr3-53776854-T-C. GRCh37 (hg19) VCF-style: chr3-53810881-T-C.
Other names: c.4446-6T>C (NM_001128839.3); c.4551-6T>C (NM_000720.4).
Identifiers: ClinVar variation 3680964 (VCV003680964.2).

ClinVar aggregate classification (germline): Uncertain significance (1 of 4 stars; one submission).

gnomAD v4.1: 1 of 1,613,934 alleles (0.000062%); highest among the groups gnomAD compares: Non-Finnish European, 0.000085%; no homozygotes.

Submission:

Labcorp Genetics (formerly Invitae), Labcorp
Classification: Uncertain significance. Last evaluated: 2024-12-15. Review status: criteria provided, single submitter. Criteria: Invitae Variant Classification Sherloc (09022015). Collection method: clinical testing. Allele origin: germline.
Comment: This sequence change falls in intron 37 of the CACNA1D gene. It does not directly change the encoded amino acid sequence of the CACNA1D protein. This variant is not present in population databases (gnomAD no frequency). This variant has not been reported in the literature in individuals affected with CACNA1D-related conditions. Algorithms developed to predict the effect of sequence changes on RNA splicing suggest that this variant may disrupt the consensus splice site. In summary, the available evidence is currently insufficient to determine the role of this variant in disease. Therefore, it has been classified as a Variant of Uncertain Significance.